The following is an entry in ClinVar:

ClinVar aggregate classification (germline): Benign. Review status: criteria provided, multiple submitters, no conflicts (2 of 4 stars). 3 submissions from 2 submitters: Benign (3). Last evaluated 2018-01-13.

Conditions:
Amyotrophic lateral sclerosis type 4 (ALS4). Also called: AMYOTROPHIC LATERAL SCLEROSIS 4, JUVENILE; NEURONOPATHY, DISTAL HEREDITARY MOTOR, WITH PYRAMIDAL FEATURES. Identifiers: Orphanet 357043, MedGen C1865409, MONDO:0011223, OMIM 602433.
Spinocerebellar ataxia, autosomal recessive, with axonal neuropathy 2 (SCAN2). Also called: ATAXIA-OCULOMOTOR APRAXIA 2; Ataxia-ocular apraxia-2; Ataxia with Oculomotor Apraxia; Ataxia with Oculomotor Apraxia Type 2. Identifiers: Orphanet 64753, MedGen C1853761, MONDO:0018996, OMIM 606002.

Allele frequency attached by ClinVar (database versions not stated): gnomAD 0.06684 and 0.07215; TOPMed 0.07727; 1000 Genomes Project 30x 0.14444; 1000 Genomes Project 0.15076.

Submissions (3):

Illumina Laboratory Services, Illumina
Classification: Benign for Amyotrophic lateral sclerosis type 4. Last evaluated: 2018-01-13. Review status: criteria provided, single submitter. Criteria: ICSL Variant Classification Criteria 13 December 2019. Collection method: clinical testing. Allele origin: germline.
Comment: This variant was observed in the ICSL laboratory as part of a predisposition screen in an ostensibly healthy population. It had not been previously curated by ICSL or reported in the Human Gene Mutation Database (HGMD: prior to June 1st, 2018), and was therefore a candidate for classification through an automated scoring system. Utilizing variant allele frequency, disease prevalence and penetrance estimates, and inheritance mode, an automated score was calculated to assess if this variant is too frequent to cause the disease. Based on the score and internal cut-off values, a variant classified as benign is not then subjected to further curation. The score for this variant resulted in a classification of benign for this disease.

Illumina Laboratory Services, Illumina
Classification: Benign for Spinocerebellar ataxia, autosomal recessive, with axonal neuropathy 2. Last evaluated: 2018-01-13. Review status: criteria provided, single submitter. Criteria: ICSL Variant Classification Criteria 13 December 2019. Collection method: clinical testing. Allele origin: germline.
Comment: the same text as in the submission from Illumina Laboratory Services, Illumina above.

Breakthrough Genomics
Classification: Benign. Review status: criteria provided, single submitter. Criteria: ACMG Guidelines, 2015. Collection method: not provided. Allele origin: germline. Inheritance: Autosomal recessive inheritance. Affected: yes.

NM_015046.7(SETX):c.*1365G>T

Gene: SETX (senataxin; minus strand). Cytogenetic location: 9q34.13.
Variant type: single nucleotide variant.
Coding change: c.*1365G>T on transcript NM_015046.7 (MANE Select); 1365 bases downstream of the stop codon, G replaced by T.
Molecular consequence: 3 prime UTR variant.
Genome position (GRCh38, 1-based): chr9:132,262,874, C>A on the plus strand (G>T on the coding strand, the complement: SETX is on the minus strand). VCF-style: chr9-132262874-C-A. GRCh37 (hg19) VCF-style: chr9-135138261-C-A.
Other names: c.*1365G>T (NM_001351527.2, NM_001351528.2).
Identifiers: ClinVar variation 365318 (VCV000365318.6), dbSNP rs7875801, ClinGen allele CA10626618.
Genomic context (GRCh38, chr9:132,262,874, plus strand): 5'-ATGAATCTTCAGCTATTTTCCTACCCCCAAATGAGATATGGGGCTGCACAGCATTCACTA[C>A]AGATCCCTAGTTTTTACAACTGTCAACTGTACATTCTCATGTTTAGGATACTCCAGTTCA-3'